The following is an entry in ClinVar:

NM_024642.5(GALNT12):c.1073G>T (p.Cys358Phe)

Gene: GALNT12 (polypeptide N-acetylgalactosaminyltransferase 12; plus strand). Cytogenetic location: 9q22.33.
Variant type: single nucleotide variant.
Coding change: c.1073G>T on transcript NM_024642.5 (MANE Select); coding-DNA position 1073, G replaced by T.
Protein change: p.Cys358Phe; replaces cysteine 358 with phenylalanine.
Molecular consequence: missense variant.
Genome position (GRCh38, 1-based): chr9:98,837,009, G>T. VCF-style: chr9-98837009-G-T. GRCh37 (hg19) VCF-style: chr9-101599291-G-T.
Other names: short protein forms C358F.
Identifiers: ClinVar variation 957240 (VCV000957240.10), dbSNP rs143652350, ClinGen allele CA374219725.
Genomic context (GRCh38, chr9:98,837,009, plus strand): 5'-CCTCTCCTTTTCTCTGTGTGCAGATCTGGCAGTGTGGTGGGGTTCTGGAAACACACCCAT[G>T]TTCCCATGTTGGCCATGTTTTCCCCAAGCAAGCTCCCTACTCCCGCAACAAGGCTCTGGC-3'
Protein context (NP_078918.3, residues 348-368): QCGGVLETHP[Cys358Phe]SHVGHVFPKQ

ClinVar aggregate classification (germline): Uncertain significance. Review status: criteria provided, multiple submitters, no conflicts (2 of 4 stars). 2 submissions from 2 submitters: Uncertain significance (2). Last evaluated 2023-10-27.

Submissions (2):

Ambry Genetics
Classification: Uncertain significance. Last evaluated: 2023-10-27. Review status: criteria provided, single submitter. Criteria: Ambry Variant Classification Scheme 2023. Collection method: clinical testing. Allele origin: germline.
Comment: The p.C358F variant (also known as c.1073G>T), located in coding exon 6 of the GALNT12 gene, results from a G to T substitution at nucleotide position 1073. The cysteine at codon 358 is replaced by phenylalanine, an amino acid with highly dissimilar properties. This amino acid position is conserved. In addition, this alteration is predicted to be deleterious by in silico analysis. Since supporting evidence is limited at this time, the clinical significance of this alteration remains unclear.

Labcorp Genetics (formerly Invitae), Labcorp
Classification: Uncertain significance. Last evaluated: 2022-01-12. Review status: criteria provided, single submitter. Criteria: Invitae Variant Classification Sherloc (09022015). Collection method: clinical testing. Allele origin: germline.
Comment: In summary, the available evidence is currently insufficient to determine the role of this variant in disease. Therefore, it has been classified as a Variant of Uncertain Significance. Algorithms developed to predict the effect of missense changes on protein structure and function are either unavailable or do not agree on the potential impact of this missense change (SIFT: "Tolerated"; PolyPhen-2: "Probably Damaging"; Align-GVGD: "Class C0"). ClinVar contains an entry for this variant (Variation ID: 957240). This variant has not been reported in the literature in individuals affected with GALNT12-related conditions. This sequence change replaces cysteine, which is neutral and slightly polar, with phenylalanine, which is neutral and non-polar, at codon 358 of the GALNT12 protein (p.Cys358Phe). This variant is not present in population databases (gnomAD no frequency).